The following is an entry in ClinVar:

NM_001377.3(DYNC2H1):c.7839G>C (p.Lys2613Asn)

Gene: DYNC2H1 (dynein cytoplasmic 2 heavy chain 1; plus strand). Cytogenetic location: 11q22.3.
Variant type: single nucleotide variant.
Coding change: c.7839G>C on transcript NM_001377.3 (MANE Select); coding-DNA position 7839, G replaced by C.
Protein change: p.Lys2613Asn; replaces lysine 2613 with asparagine.
Molecular consequence: missense variant.
Genome position (GRCh38, 1-based): chr11:103,198,063, G>C. VCF-style: chr11-103198063-G-C. GRCh37 (hg19) VCF-style: chr11-103068792-G-C.
Other names: c.7839G>C, p.Lys2613Asn (NM_001080463.2); short protein forms K2613N.
Identifiers: ClinVar variation 1413855 (VCV001413855.5), dbSNP rs1325973305, ClinGen allele CA382255893.

ClinVar aggregate classification (germline): Uncertain significance (1 of 4 stars; one submission).

Conditions:
Jeune thoracic dystrophy. Also called: Short-rib thoracic dysplasia; Jeune syndrome; Infantile thoracic dystrophy; Thoracic pelvic phalangeal dystrophy; Jeune's syndrome; Chondroectodermal dysplasia-like syndrome. Identifiers: Orphanet 474, MedGen C0265275, MONDO:0018770.

Allele frequency attached by ClinVar (database versions not stated): TOPMed below 0.00001.
gnomAD v4.1: 4 of 1,550,568 alleles (0.00026%); highest among the groups gnomAD compares: Admixed American, 0.0059%; no homozygotes.

Submission:

Labcorp Genetics (formerly Invitae), Labcorp
Classification: Uncertain significance for Jeune thoracic dystrophy. Last evaluated: 2021-08-31. Review status: criteria provided, single submitter. Criteria: Invitae Variant Classification Sherloc (09022015). Collection method: clinical testing. Allele origin: germline.
Comment: This sequence change replaces lysine with asparagine at codon 2613 of the DYNC2H1 protein (p.Lys2613Asn). The lysine residue is highly conserved and there is a moderate physicochemical difference between lysine and asparagine. This variant also falls at the last nucleotide of exon 48, which is part of the consensus splice site for this exon. This variant is not present in population databases (ExAC no frequency). This variant has not been reported in the literature in individuals affected with DYNC2H1-related conditions. Algorithms developed to predict the effect of missense changes on protein structure and function are either unavailable or do not agree on the potential impact of this missense change (SIFT: "Deleterious"; PolyPhen-2: "Benign"; Align-GVGD: "Class C65"). Variants that disrupt the consensus splice site are a relatively common cause of aberrant splicing (PMID: 17576681, 9536098). Algorithms developed to predict the effect of sequence changes on RNA splicing suggest that this variant may disrupt the consensus splice site. In summary, the available evidence is currently insufficient to determine the role of this variant in disease. Therefore, it has been classified as a Variant of Uncertain Significance.

Literature cited by the submitters: PubMed 17576681; PubMed 9536098.